The following is an entry in ClinVar:

NM_024675.4(PALB2):c.2125A>T (p.Asn709Tyr)

Gene: PALB2 (partner and localizer of BRCA2; minus strand). Cytogenetic location: 16p12.2.
Variant type: single nucleotide variant.
Coding change: c.2125A>T on transcript NM_024675.4 (MANE Select); coding-DNA position 2125, A replaced by T.
Protein change: p.Asn709Tyr; replaces asparagine 709 with tyrosine.
Molecular consequence: missense variant.
Genome position (GRCh38, 1-based): chr16:23,630,029, T>A on the plus strand (A>T on the coding strand, the complement: PALB2 is on the minus strand). VCF-style: chr16-23630029-T-A. GRCh37 (hg19) VCF-style: chr16-23641350-T-A.
Other names: short protein forms N709Y.
Identifiers: ClinVar variation 490073 (VCV000490073.18), dbSNP rs1286704342, ClinGen allele CA395125746.

ClinVar aggregate classification (germline): Uncertain significance. Review status: criteria provided, multiple submitters, no conflicts (2 of 4 stars). 4 submissions from 4 submitters: Uncertain significance (4). Last evaluated 2025-08-11.

Conditions:
Hereditary cancer-predisposing syndrome. Also called: Hereditary Cancer Syndrome; Neoplastic Syndromes, Hereditary; Tumor predisposition; Hereditary neoplastic syndrome. Identifiers: Orphanet 140162, MedGen C0027672, MeSH D009386, MONDO:0015356.
Familial cancer of breast. Also called: Hereditary breast cancer; BREAST CANCER, FAMILIAL; hereditary breast carcinoma. Identifiers: Orphanet 227535, MedGen C0346153, MONDO:0016419, OMIM 114480. Disease mechanism: loss of function.

Allele frequency attached by ClinVar (database versions not stated): TOPMed below 0.00001; gnomAD 0.00001.
gnomAD v4.1: 1 of 1,614,016 alleles (0.000062%); highest among the groups gnomAD compares: African/African-American, 0.0013%; no homozygotes.

Submissions (4):

Ambry Genetics
Classification: Uncertain significance for Hereditary cancer-predisposing syndrome. Last evaluated: 2025-08-11. Review status: criteria provided, single submitter. Criteria: Ambry Variant Classification Scheme 2023. Collection method: clinical testing. Allele origin: germline.
Comment: The p.N709Y variant (also known as c.2125A>T), located in coding exon 5 of the PALB2 gene, results from an A to T substitution at nucleotide position 2125. The asparagine at codon 709 is replaced by tyrosine, an amino acid with dissimilar properties. This amino acid position is conserved. In addition, this alteration is predicted to be tolerated by in silico analysis. Based on the available evidence, the clinical significance of this variant remains unclear.

Labcorp Genetics (formerly Invitae), Labcorp
Classification: Uncertain significance for Familial cancer of breast. Last evaluated: 2024-02-14. Review status: criteria provided, single submitter. Criteria: Invitae Variant Classification Sherloc (09022015). Collection method: clinical testing. Allele origin: germline.
Comment: This sequence change replaces asparagine, which is neutral and polar, with tyrosine, which is neutral and polar, at codon 709 of the PALB2 protein (p.Asn709Tyr). This variant is not present in population databases (gnomAD no frequency). This variant has not been reported in the literature in individuals affected with PALB2-related conditions. ClinVar contains an entry for this variant (Variation ID: 490073). Advanced modeling of protein sequence and biophysical properties (such as structural, functional, and spatial information, amino acid conservation, physicochemical variation, residue mobility, and thermodynamic stability) has been performed at Invitae for this missense variant, however the output from this modeling did not meet the statistical confidence thresholds required to predict the impact of this variant on PALB2 protein function. In summary, the available evidence is currently insufficient to determine the role of this variant in disease. Therefore, it has been classified as a Variant of Uncertain Significance.

Baylor Genetics
Classification: Uncertain significance for Familial cancer of breast. Last evaluated: 2023-12-24. Review status: criteria provided, single submitter. Criteria: ACMG Guidelines, 2015. Collection method: clinical testing. Allele origin: unknown.

Color Diagnostics, LLC DBA Color Health
Classification: Uncertain significance for Hereditary cancer-predisposing syndrome. Last evaluated: 2023-12-05. Review status: criteria provided, single submitter. Criteria: ACMG Guidelines, 2015. Collection method: clinical testing. Allele origin: germline.
Comment: This missense variant replaces asparagine with tyrosine at codon 709 of the PALB2 protein. Computational prediction suggests that this variant may not impact protein structure and function (internally defined REVEL score threshold <= 0.5, PMID: 27666373). To our knowledge, functional studies have not been reported for this variant. This variant has not been reported in individuals affected with PALB2-related disorders in the literature. This variant has not been identified in the general population by the Genome Aggregation Database (gnomAD). The available evidence is insufficient to determine the role of this variant in disease conclusively. Therefore, this variant is classified as a Variant of Uncertain Significance.